The following is an entry in ClinVar:

ClinVar aggregate classification (germline): Uncertain significance (1 of 4 stars; one submission).

Conditions:
Hypoalphalipoproteinemia, primary, 1. Identifiers: Orphanet 425, MedGen C5231558, MONDO:0011393, OMIM 604091.

Allele frequency attached by ClinVar (database versions not stated): gnomAD exomes below 0.00001; gnomAD 0.00001.
gnomAD v4.1: 11 of 1,613,492 alleles (0.00068%); highest among the groups gnomAD compares: East Asian, 0.0045%; no homozygotes.

Submission:

Baylor Genetics
Classification: Uncertain significance for Hypoalphalipoproteinemia, primary, 1. Last evaluated: 2020-03-26. Review status: criteria provided, single submitter. Criteria: ACMG Guidelines, 2015. Collection method: clinical testing. Allele origin: unknown. Affected: yes.
Comment: This variant was determined to be of uncertain significance according to ACMG Guidelines, 2015 [PMID:25741868].

NM_005502.4(ABCA1):c.1774G>T (p.Gly592Cys)

Gene: ABCA1 (ATP binding cassette subfamily A member 1; minus strand). Cytogenetic location: 9q31.1.
Variant type: single nucleotide variant.
Coding change: c.1774G>T on transcript NM_005502.4 (MANE Select); coding-DNA position 1774, G replaced by T.
Protein change: p.Gly592Cys; replaces glycine 592 with cysteine.
Molecular consequence: missense variant.
Genome position (GRCh38, 1-based): chr9:104,831,043, C>A on the plus strand (G>T on the coding strand, the complement: ABCA1 is on the minus strand). VCF-style: chr9-104831043-C-A. GRCh37 (hg19) VCF-style: chr9-107593324-C-A.
Other names: short protein forms G592C.
Identifiers: ClinVar variation 1028891 (VCV001028891.1), dbSNP rs1480322697, ClinGen allele CA374323121.